The following is an entry in ClinVar:

ClinVar aggregate classification (germline): Uncertain significance (1 of 4 stars; one submission).

Allele frequency attached by ClinVar (database versions not stated): gnomAD 0.00003; TOPMed 0.00004.
gnomAD v4.1: 5 of 1,498,890 alleles (0.00033%); highest among the groups gnomAD compares: African/African-American, 0.0072%; no homozygotes.

Submission:

Labcorp Genetics (formerly Invitae), Labcorp
Classification: Uncertain significance. Last evaluated: 2025-04-14. Review status: criteria provided, single submitter. Criteria: Invitae Variant Classification Sherloc (09022015). Collection method: clinical testing. Allele origin: germline.
Comment: This sequence change replaces arginine, which is basic and polar, with glycine, which is neutral and non-polar, at codon 5 of the SPPL2A protein (p.Arg5Gly). This variant is not present in population databases (gnomAD no frequency). This variant has not been reported in the literature in individuals affected with SPPL2A-related conditions. ClinVar contains an entry for this variant (Variation ID: 1989163). An algorithm developed to predict the effect of missense changes on protein structure and function (PolyPhen-2) suggests that this variant is likely to be tolerated. In summary, the available evidence is currently insufficient to determine the role of this variant in disease. Therefore, it has been classified as a Variant of Uncertain Significance.

NM_032802.4(SPPL2A):c.13C>G (p.Arg5Gly)

Genes: SPPL2A (signal peptide peptidase like 2A; minus strand), LOC130057047 (ATAC-STARR-seq lymphoblastoid silent region 6430; plus strand). Cytogenetic location: 15q21.2.
Variant type: single nucleotide variant.
Coding change: c.13C>G on transcript NM_032802.4 (MANE Select); coding-DNA position 13, C replaced by G.
Protein change: p.Arg5Gly; replaces arginine 5 with glycine.
Molecular consequence: missense variant.
Genome position (GRCh38, 1-based): chr15:50,765,521, G>C on the plus strand (C>G on the coding strand, the complement: SPPL2A is on the minus strand). VCF-style: chr15-50765521-G-C. GRCh37 (hg19) VCF-style: chr15-51057718-G-C.
Other names: short protein forms R5G.
Identifiers: ClinVar variation 1989163 (VCV001989163.4), dbSNP rs1014061829, ClinGen allele CA270611489.
Genomic context (GRCh38, chr15:50,765,521, plus strand): 5'-CCCTTACCAGCTGGAGCAGGAAGCCCCAGAGTAGGGCGGCCCCGGCAGGGGACAGCCGCC[G>C]CTGCGGCCCCATCGGACTGGTGGGTGCCGGGTGGGACGGCACGGTGCGGCGCAGCTCACT-3'
Protein context (NP_116191.2, residues 1-15): MGPQ[Arg5Gly]RLSPAGAALL